The following is an entry in ClinVar:

NM_177402.5(SYT2):c.589C>T (p.Arg197Trp)

Gene: SYT2 (synaptotagmin 2; minus strand). Cytogenetic location: 1q32.1.
Variant type: single nucleotide variant.
Coding change: c.589C>T on transcript NM_177402.5 (MANE Select); coding-DNA position 589, C replaced by T.
Protein change: p.Arg197Trp; replaces arginine 197 with tryptophan.
Molecular consequence: missense variant.
Genome position (GRCh38, 1-based): chr1:202,602,422, G>A on the plus strand (C>T on the coding strand, the complement: SYT2 is on the minus strand). VCF-style: chr1-202602422-G-A. GRCh37 (hg19) VCF-style: chr1-202571550-G-A.
Other names: c.589C>T, p.Arg197Trp (NM_001136504.1); short protein forms R197W.
Identifiers: ClinVar variation 1461995 (VCV001461995.9), dbSNP rs527247729, ClinGen allele CA1333735.

ClinVar aggregate classification (germline): Uncertain significance. Review status: criteria provided, multiple submitters, no conflicts (2 of 4 stars). 2 submissions from 2 submitters: Uncertain significance (2). Last evaluated 2025-12-20.

Conditions:
Inborn genetic diseases. Identifiers: MedGen C0950123, MeSH D030342.

gnomAD v4.1: 35 of 1,614,064 alleles (0.0022%); highest among the groups gnomAD compares: African/African-American, 0.013%; no homozygotes.

Submissions (2):

Labcorp Genetics (formerly Invitae), Labcorp
Classification: Uncertain significance. Last evaluated: 2025-12-20. Review status: criteria provided, single submitter. Criteria: Invitae Variant Classification Sherloc (09022015). Collection method: clinical testing. Allele origin: germline.
Comment: This sequence change replaces arginine, which is basic and polar, with tryptophan, which is neutral and slightly polar, at codon 197 of the SYT2 protein (p.Arg197Trp). This variant is present in population databases (rs527247729, gnomAD 0.004%). This variant has not been reported in the literature in individuals affected with SYT2-related conditions. ClinVar contains an entry for this variant (Variation ID: 1461995). Invitae Evidence Modeling of protein sequence and biophysical properties (such as structural, functional, and spatial information, amino acid conservation, physicochemical variation, residue mobility, and thermodynamic stability) indicates that this missense variant is expected to disrupt SYT2 protein function with a positive predictive value of 80%. In summary, the available evidence is currently insufficient to determine the role of this variant in disease. Therefore, it has been classified as a Variant of Uncertain Significance.

Ambry Genetics
Classification: Uncertain significance for Inborn genetic diseases. Last evaluated: 2024-11-10. Review status: criteria provided, single submitter. Criteria: Ambry Variant Classification Scheme 2023. Collection method: clinical testing. Allele origin: germline.